The following is an entry in ClinVar:

ClinVar aggregate classification (germline): Benign/Likely benign. Review status: criteria provided, multiple submitters, no conflicts (2 of 4 stars). 5 submissions from 5 submitters: Benign (2); Likely benign (2). 1 of the submissions does not count toward it. Last evaluated 2026-01-31.

Conditions:
CBS-related disorder. Also called: CBS-related condition.
HYPERHOMOCYSTEINEMIA, THROMBOTIC, CBS-RELATED. Identifiers: MedGen C3150344, OMIM 236200.
Classic homocystinuria. Also called: Homocystinuria due to Cystathionine Beta-Synthase Deficiency; HOMOCYSTINURIA WITH OR WITHOUT RESPONSE TO PYRIDOXINE; Homocystinuria due to CBS deficiency; Cystathionine beta-synthase deficiency; CBS deficiency. Identifiers: Orphanet 394, MedGen C0751202, MONDO:0009352, OMIM 236200.

Allele frequency attached by ClinVar (database versions not stated): gnomAD exomes 0.00030; ExAC 0.00044; ESP Exome Variant Server 0.00115; gnomAD 0.00137; 1000 Genomes Project 0.00160.

Submissions (5):

Labcorp Genetics (formerly Invitae), Labcorp
Classification: Benign for HYPERHOMOCYSTEINEMIA, THROMBOTIC, CBS-RELATED. Last evaluated: 2026-01-31. Review status: criteria provided, single submitter. Criteria: Invitae Variant Classification Sherloc (09022015). Collection method: clinical testing. Allele origin: germline.

Women's Health and Genetics/Laboratory Corporation of America, LabCorp
Classification: Likely benign. Last evaluated: 2023-08-10. Review status: criteria provided, single submitter. Criteria: LabCorp Variant Classification Summary - May 2015. Collection method: clinical testing. Allele origin: germline.

Illumina Laboratory Services, Illumina
Classification: Likely benign for Classic homocystinuria. Last evaluated: 2018-01-12. Review status: criteria provided, single submitter. Criteria: ICSL Variant Classification Criteria 13 December 2019. Collection method: clinical testing. Allele origin: germline.
Comment: This variant was observed in the ICSL laboratory as part of a predisposition screen in an ostensibly healthy population. It had not been previously curated by ICSL or reported in the Human Gene Mutation Database (HGMD: prior to June 1st, 2018), and was therefore a candidate for classification through an automated scoring system. Utilizing variant allele frequency, disease prevalence and penetrance estimates, and inheritance mode, an automated score was calculated to assess if this variant is too frequent to cause the disease. Based on the score and internal cut-off values, a variant classified as likely benign is not then subjected to further curation. The score for this variant resulted in a classification of likely benign for this disease.

GeneDx
Classification: Benign. Last evaluated: 2015-06-04. Review status: criteria provided, single submitter. Criteria: GeneDx Variant Classification (06012015). Collection method: clinical testing. Allele origin: germline. Affected: yes.
Comment: This variant is considered likely benign or benign based on one or more of the following criteria: it is a conservative change, it occurs at a poorly conserved position in the protein, it is predicted to be benign by multiple in silico algorithms, and/or has population frequency not consistent with disease.

PreventionGenetics, part of Exact Sciences
Classification: Likely benign for CBS-related condition. Last evaluated: 2021-04-23. Review status: no assertion criteria provided. Collection method: clinical testing. Allele origin: germline. Not counted in ClinVar's aggregate classification.
Comment: This variant is classified as likely benign based on ACMG/AMP sequence variant interpretation guidelines (Richards et al. 2015 PMID: 25741868, with internal and published modifications).

NM_000071.3(CBS):c.1359-14C>T

Gene: CBS (cystathionine beta-synthase; minus strand). Cytogenetic location: 21q22.3.
Variant type: single nucleotide variant.
Coding change: c.1359-14C>T on transcript NM_000071.3 (MANE Select); 14 bases into the intron before coding-DNA position 1359, C replaced by T.
Molecular consequence: intron variant.
Genome position (GRCh38, 1-based): chr21:43,058,267, G>A on the plus strand (C>T on the coding strand, the complement: CBS is on the minus strand). VCF-style: chr21-43058267-G-A. GRCh37 (hg19) VCF-style: chr21-44478377-G-A.
Other names: c.1359-14C>T (NM_001320298.2, NM_001178009.3, NM_001178008.3); c.1044-14C>T (NM_001321072.1).
Identifiers: ClinVar variation 212832 (VCV000212832.16), dbSNP rs115185587, ClinGen allele CA321977.